The following is an entry in ClinVar:

NM_007294.4(BRCA1):c.301+7G>A

Gene: BRCA1 (BRCA1 DNA repair associated; minus strand). Cytogenetic location: 17q21.31.
Variant type: single nucleotide variant.
Coding change: c.301+7G>A on transcript NM_007294.4 (MANE Select); 7 bases into the intron after coding-DNA position 301, G replaced by A.
Molecular consequence: intron variant.
Genome position (GRCh38, 1-based): chr17:43,104,861, C>T on the plus strand (G>A on the coding strand, the complement: BRCA1 is on the minus strand). VCF-style: chr17-43104861-C-T. GRCh37 (hg19) VCF-style: chr17-41256878-C-T.
Other names: IVS6+7G>A; c.160+7G>A (NM_001408458.1, NM_001407931.1, NM_001407747.1 and 99 more transcripts); c.-218-10001G>A (NM_001407967.1, NM_001407966.1); c.-81+7G>A (NM_001407959.1, NM_001407962.1, NM_001408512.1 and 4 more transcripts); c.91+7G>A (NM_001407885.1, NM_001407886.1, NM_001407898.1 and 58 more transcripts); c.301+7G>A (NM_001407686.1, NM_001408397.1, NM_001407632.1 and 164 more transcripts); c.169+7G>A (NM_001408451.1); c.223+7G>A (NM_001408475.1, NM_001407875.1, NM_001407659.1 and 21 more transcripts); and 1 more.
Identifiers: ClinVar variation 37499 (VCV000037499.81), dbSNP rs80358113, ClinGen allele CA001969.
Genomic context (GRCh38, chr17:43,104,861, plus strand): 5'-TTGTGCAAACTTCCTGAGTTTTCATGGACAGCACTTGAGTGTCATTCTTGGGATATTCAA[C>T]ACTTACACTCCAAACCTGTGTCAAGCTGAAAAGCACAAATGATTTTCAATAGCTCTTCAA-3'

ClinVar aggregate classification (germline): Benign. Review status: reviewed by expert panel (3 of 4 stars). 18 submissions from 18 submitters: Benign (1). 17 of the submissions do not count toward it. Last evaluated 2024-06-11.

Conditions:
Familial cancer of breast. Also called: BREAST CANCER, FAMILIAL; Hereditary breast cancer; hereditary breast carcinoma. Identifiers: Orphanet 227535, MedGen C0346153, MONDO:0016419, OMIM 114480. Disease mechanism: loss of function.
Breast-ovarian cancer, familial, susceptibility to, 1 (BROVCA1). Also called: OVARIAN CANCER, SUSCEPTIBILITY TO; BRCA1 Hereditary Breast and Ovarian Cancer. Identifiers: Orphanet 145, MedGen C2676676, MONDO:0011450, OMIM 604370. Disease mechanism: loss of function.
Fanconi anemia, complementation group S (FANCS). Identifiers: MedGen C4554406, MONDO:0054748, OMIM 617883.
BRCA1-related cancer predisposition. Identifiers: MedGen CN377757, MONDO:0700268.
Hereditary cancer-predisposing syndrome. Also called: Neoplastic Syndromes, Hereditary; Tumor predisposition; Hereditary Cancer Syndrome; Hereditary neoplastic syndrome. Identifiers: Orphanet 140162, MedGen C0027672, MeSH D009386, MONDO:0015356.
Hereditary breast ovarian cancer syndrome. Also called: Hereditary breast and ovarian cancer; Breast and ovarian cancer; Hereditary breast and/or ovarian cancer syndrome; Hereditary breast and ovarian cancer syndrome (HBOC); Hereditary breast and ovarian cancer syndrome; BRCA1- and BRCA2-Associated Hereditary Breast and Ovarian Cancer. Identifiers: Orphanet 145, MedGen C0677776, MeSH D061325, MONDO:0003582. Disease mechanism: loss of function.

Allele frequency attached by ClinVar (database versions not stated): gnomAD 0.00005 and 0.00006; TOPMed 0.00006; gnomAD exomes 0.00009; ExAC 0.00012; ESP Exome Variant Server 0.00023.
gnomAD v4.1: 87 of 1,610,834 alleles (0.0054%); highest among the groups gnomAD compares: Non-Finnish European, 0.0065%; no homozygotes.

Submissions 1 to 11 of 19:

ClinGen ENIGMA BRCA1 and BRCA2 Variant Curation Expert Panel, ClinGen
Classification: Benign for BRCA1-related cancer predisposition. Last evaluated: 2024-06-11. Review status: reviewed by expert panel. Criteria: CSpec BRCA1/2ACMG Rules Specifications V1.0. Collection method: curation. Allele origin: germline. Inheritance: Autosomal dominant inheritance.
Comment: The c.301+7G>A variant is an intronic variant occurring in intron 5 of the BRCA1 gene. The highest non-cancer, non-founder population filter allele frequency in gnomAD v2.1 (exomes only, non-cancer subset, read depth >=20) or gnomAD v3.1 (non-cancer subset, read depth >=20) is 0.00009711 in the European (non-Finnish) population which is within the ENIGMA BRCA1/2 VCEP threshold (>0.00002 to <= 0.0001) for BS1_Supporting (BS1_Supporting met). This BRCA1 intronic variant is located outside of the native donor and acceptor 1,2 splice sites, and the SpliceAI predictor score is 0.21, predicting an impact on splicing (score threshold >0.20) (however, this prediction is to strengthen the native acceptor site and therefore PP3 is not applied). This is an intronic variant, and mRNA experimental analysis indicates no impact on splicing (PMID: 22505045), considered strong evidence against pathogenicity (BP7_Strong (RNA)). Reported by one calibrated study to exhibit protein function similar to benign control variants (PMID: 30209399) (BS3 met). Multifactorial likelihood ratio analysis using clinically calibrated data produced a combined LR for this variant of 4.848E-11 (based on Cosegregation LR=1.36; Pathology LR=0.001; Co-occurrence LR=0.068; Family History LR=0.037; Case-Control LR=1.28E-05), below the threshold for Very strong benign evidence (LR <0.00285) (BP5_Very strong met; PMID: 31131967). In summary, this variant meets the criteria to be classified as a Benign variant for BRCA1-related cancer predisposition based on the ACMG/AMP criteria applied as specified by the ENIGMA BRCA1/2 VCEP (BS1_Supporting, BP7_Strong (RNA), BS3, BP5_Very strong).

Labcorp Genetics (formerly Invitae), Labcorp
Classification: Benign for Hereditary breast ovarian cancer syndrome. Last evaluated: 2026-01-31. Review status: criteria provided, single submitter. Criteria: Invitae Variant Classification Sherloc (09022015). Collection method: clinical testing. Allele origin: germline. Not counted in ClinVar's aggregate classification.

Center for Genomic Medicine, Rigshospitalet, Copenhagen University Hospital
Classification: Benign. Last evaluated: 2025-03-04. Review status: criteria provided, single submitter. Criteria: ACMG Guidelines, 2015. Collection method: clinical testing. Allele origin: germline. Not counted in ClinVar's aggregate classification.

Blueprint Genetics
Classification: Likely benign. Last evaluated: 2024-11-13. Review status: criteria provided, single submitter. Criteria: ACMG Guidelines, 2015. Collection method: clinical testing. Allele origin: germline. Not counted in ClinVar's aggregate classification.

CeGaT Center for Human Genetics Tuebingen
Classification: Benign. Last evaluated: 2024-04-01. Review status: criteria provided, single submitter. Criteria: CeGaT Center For Human Genetics Tuebingen Variant Classification Criteria Version 2. Collection method: clinical testing. Allele origin: germline. Affected: yes. Observed: 4 variant alleles. Not counted in ClinVar's aggregate classification.
Comment: BRCA1: BP4, BS1, BS2

Quest Diagnostics Nichols Institute San Juan Capistrano
Classification: Benign. Last evaluated: 2022-09-12. Review status: criteria provided, single submitter. Criteria: Quest Diagnostics criteria. Collection method: clinical testing. Allele origin: unknown. Not counted in ClinVar's aggregate classification.

Victorian Clinical Genetics Services, Murdoch Childrens Research Institute
Classification: Benign for Breast-ovarian cancer, familial, susceptibility to, 1. Last evaluated: 2022-02-02. Review status: criteria provided, single submitter. Criteria: ACMG Guidelines, 2015. Collection method: clinical testing. Allele origin: germline. Inheritance: Autosomal dominant inheritance. Not counted in ClinVar's aggregate classification.
Comment: Based on the classification scheme VCGS_Germline_v1.3.4, this variant is classified as Benign. Following criteria are met: 0102 - Loss of function is a known mechanism of disease in this gene and is associated with Fanconi anemia, complementation group S (MIM#617883), and susceptibility to breast and ovarian cancer (MIM#604370). (I) 0108 - This gene is associated with both recessive and dominant disease. Susceptibility to breast and ovarian cancer follows an autosomal dominant inheritance pattern, while Fanconi anemia is inherited in an autosomal recessive pattern (OMIM). (I) 0112 - The condition associated with this gene has incomplete penetrance. The highest estimate for cancer risk in carriers of pathogenic variants is 80% by the age of 70 years (PMID: 30551077). (I) 0210 - Splice site variant proven not to affect splicing of the transcript. (I) 0304 - Variant is present in gnomAD (v2) <0.001 (22 heterozygotes, 0 homozygotes). (SP) 0805 - This variant has strong previous evidence of being benign. This variant has been reported multiple times as benign or likely benign in the ClinVar database. It has been curated as benign by the Evidence-based Network for the Interpretation of Germline Mutant Alleles (ENIGMA) expert panel (PMID: 31131967). (SB) 1004 - This variant has moderate functional evidence supporting normal function. In vitro RNA studies have shown that this variant does not result in abnormal splicing (PMID: 22505045, 24667779). (SB) Legend: (SP) - Supporting pathogenic, (I) - Information, (SB) - Supporting benign

Department of Pathology and Laboratory Medicine, Sinai Health System
Classification: Likely benign for Familial cancer of breast; Breast-ovarian cancer, familial, susceptibility to, 1; Fanconi anemia, complementation group S. Last evaluated: 2021-12-06. Review status: criteria provided, single submitter. Criteria: ACMG Guidelines, 2015. Collection method: clinical testing. Allele origin: germline. Affected: yes. Not counted in ClinVar's aggregate classification.

Women's Health and Genetics/Laboratory Corporation of America, LabCorp
Classification: Benign. Last evaluated: 2021-07-07. Review status: criteria provided, single submitter. Criteria: LabCorp Variant Classification Summary - May 2015. Collection method: clinical testing. Allele origin: germline. Not counted in ClinVar's aggregate classification.
Comment: Variant summary: BRCA1 c.301+7G>A alters a non-conserved nucleotide located close to a canonical splice site and therefore could affect mRNA splicing, leading to a significantly altered protein sequence. 4/4 computational tools predict no significant impact on normal splicing. At least two publication reports experimental evidence evaluating an impact on splicing. These results showed no damaging effect of this variant (Steffensen_2014, Houdayer_2012). The variant allele was found at a frequency of 9.5e-05 in 251608 control chromosomes. This frequency is not significantly higher than expected for a pathogenic variant in BRCA1 causing Hereditary Breast And Ovarian Cancer Syndrome (9.5e-05 vs 0.001), allowing no conclusion about variant significance. c.301+7G>A has been reported in the literature in individuals affected with Breast and Ovarian Cancer (Konstantopoulou_2008, Ratajska_2014, Kluska_2015). These reports do not provide unequivocal conclusions about association of the variant with Hereditary Breast and Ovarian Cancer. Six ClinVar submitters (evaluation after 2014) cite the variant as benign (4x) and likely benign (2x). Based on the evidence outlined above, the variant was classified as benign.

Sema4
Classification: Likely benign for Hereditary cancer-predisposing syndrome. Last evaluated: 2021-04-11. Review status: criteria provided, single submitter. Criteria: Sema4 Curation Guidelines. Collection method: curation. Allele origin: germline. Not counted in ClinVar's aggregate classification.

Genetic Services Laboratory, University of Chicago
Classification: Likely benign. Last evaluated: 2019-04-23. Review status: criteria provided, single submitter. Criteria: ACMG Guidelines, 2015. Collection method: clinical testing. Allele origin: germline. Affected: no. Not counted in ClinVar's aggregate classification.